The following is an entry in ClinVar:

NM_001127222.2(CACNA1A):c.3457C>G (p.Gln1153Glu)

Gene: CACNA1A (calcium voltage-gated channel subunit alpha1 A; minus strand). Cytogenetic location: 19p13.13.
Variant type: single nucleotide variant.
Coding change: c.3457C>G on transcript NM_001127222.2 (MANE Select); coding-DNA position 3457, C replaced by G.
Protein change: p.Gln1153Glu; replaces glutamine 1153 with glutamic acid.
Molecular consequence: missense variant.
Genome position (GRCh38, 1-based): chr19:13,286,599, G>C on the plus strand (C>G on the coding strand, the complement: CACNA1A is on the minus strand). VCF-style: chr19-13286599-G-C. GRCh37 (hg19) VCF-style: chr19-13397413-G-C.
Other names: c.3469C>G, p.Gln1157Glu (NM_000068.4, NM_023035.3); c.3460C>G, p.Gln1154Glu (NM_001127221.2, NM_001174080.2); c.3457C>G (NM_001127222.1); short protein forms Q1154E, Q1153E, Q1157E.
Identifiers: ClinVar variation 383231 (VCV000383231.33), dbSNP rs201612257, ClinGen allele CA9240316.

ClinVar aggregate classification (germline): Benign/Likely benign. Review status: criteria provided, multiple submitters, no conflicts (2 of 4 stars). 8 submissions from 8 submitters: Benign (3); Likely benign (4). 1 of the submissions does not count toward it. Last evaluated 2026-01-21.

Conditions:
Developmental and epileptic encephalopathy, 42 (DEE42A). Also called: DEVELOPMENTAL AND EPILEPTIC ENCEPHALOPATHY 42A; EPILEPTIC ENCEPHALOPATHY, EARLY INFANTILE, 42A; Epileptic encephalopathy, early infantile, 42. Identifiers: MedGen C4310716, MONDO:0014917, OMIM 617106.
Episodic ataxia type 2 (EA2). Also called: ATAXIA, EPISODIC, WITH NYSTAGMUS; ATAXIA, FAMILIAL PAROXYSMAL; CEREBELLAR ATAXIA, PAROXYSMAL, ACETAZOLAMIDE-RESPONSIVE; CEREBELLOPATHY, HEREDITARY PAROXYSMAL; ACETAZOLAMIDE-RESPONSIVE HEREDITARY PAROXYSMAL CEREBELLAR ATAXIA; EPISODIC ATAXIA, NYSTAGMUS-ASSOCIATED. Identifiers: Orphanet 97, MedGen C1720416, MONDO:0007163, OMIM 108500.
Inborn genetic diseases. Identifiers: MedGen C0950123, MeSH D030342.
CACNA1A-related disorder. Also called: CACNA1A-related condition.

Allele frequency attached by ClinVar (database versions not stated): gnomAD exomes 0.00012 and 0.00037; ExAC 0.00035; 1000 Genomes Project 0.00060; 1000 Genomes Project 30x 0.00062; TOPMed 0.00121; ESP Exome Variant Server 0.00131; gnomAD 0.00134 and 0.00145.
gnomAD v4.1: 374 of 1,544,578 alleles (0.024%); highest among the groups gnomAD compares: African/African-American, 0.48%; 1 homozygote.

Submissions (8):

Labcorp Genetics (formerly Invitae), Labcorp
Classification: Likely benign for Developmental and epileptic encephalopathy, 42; Episodic ataxia type 2. Last evaluated: 2026-01-21. Review status: criteria provided, single submitter. Criteria: Invitae Variant Classification Sherloc (09022015). Collection method: clinical testing. Allele origin: germline.

CeGaT Center for Human Genetics Tuebingen
Classification: Benign. Last evaluated: 2025-05-01. Review status: criteria provided, single submitter. Criteria: CeGaT Center For Human Genetics Tuebingen Variant Classification Criteria Version 2. Collection method: clinical testing. Allele origin: germline. Affected: yes. Observed: 1 variant allele.
Comment: CACNA1A: BP4, BS1, BS2

Blueprint Genetics
Classification: Likely benign. Last evaluated: 2024-09-24. Review status: criteria provided, single submitter. Criteria: ACMG Guidelines, 2015. Collection method: clinical testing. Allele origin: germline.

ARUP Laboratories, Molecular Genetics and Genomics, ARUP Laboratories
Classification: Benign. Last evaluated: 2024-06-06. Review status: criteria provided, single submitter. Criteria: ARUP Molecular Germline Variant Investigation Process 2024. Collection method: clinical testing. Allele origin: germline.

GeneDx
Classification: Benign. Last evaluated: 2019-07-25. Review status: criteria provided, single submitter. Criteria: GeneDx Variant Classification Process June 2021. Collection method: clinical testing. Allele origin: germline. Affected: yes.

Ambry Genetics
Classification: Likely benign for Inborn genetic diseases. Last evaluated: 2018-03-06. Review status: criteria provided, single submitter. Criteria: Ambry Variant Classification Scheme 2023. Collection method: clinical testing. Allele origin: germline.

Eurofins Ntd Llc (ga)
Classification: Likely benign. Last evaluated: 2017-08-14. Review status: criteria provided, single submitter. Criteria: EGL Classification Definitions 2015. Collection method: clinical testing. Allele origin: germline. Observed: 1 variant allele, 1 heterozygote.

PreventionGenetics, part of Exact Sciences
Classification: Likely benign for CACNA1A-related condition. Last evaluated: 2023-12-06. Review status: no assertion criteria provided. Collection method: clinical testing. Allele origin: germline. Not counted in ClinVar's aggregate classification.
Comment: This variant is classified as likely benign based on ACMG/AMP sequence variant interpretation guidelines (Richards et al. 2015 PMID: 25741868, with internal and published modifications).